The following is an entry in ClinVar:

ClinVar aggregate classification (germline): Uncertain significance (1 of 4 stars; one submission).

Conditions:
AKR1C4-related disorder. Also called: AKR1C4-related condition.

Submission:

PreventionGenetics, part of Exact Sciences
Classification: Uncertain significance for AKR1C4-related condition. Last evaluated: 2025-12-23. Review status: criteria provided, single submitter. Criteria: ACMG Guidelines, 2015. Collection method: clinical testing. Allele origin: germline.
Comment: The AKR1C4 c.169_171delinsGAG variant is predicted to result in an in-frame deletion and insertion. To our knowledge, this variant has not been reported in the literature or in a large population database (gnomAD), indicating this variant is rare. At this time, the clinical significance of this variant is uncertain due to the absence of conclusive functional and genetic evidence.

NM_001818.5(AKR1C4):c.169_171delinsGAG (p.Asn57Glu)

Gene: AKR1C4 (aldo-keto reductase family 1 member C4; plus strand). Cytogenetic location: 10p15.1.
Variant type: Indel.
Coding change: c.169_171delinsGAG on transcript NM_001818.5 (MANE Select); coding-DNA positions 169 to 171, AAT replaced by GAG.
Protein change: p.Asn57Glu; replaces asparagine 57 with glutamic acid.
Molecular consequence: missense variant.
Genome position (GRCh38, 1-based): chr10:5,200,265-5,200,267, AAT replaced by GAG. VCF-style: chr10-5200265-AAT-GAG. GRCh37 (hg19) VCF-style: chr10-5242228-AAT-GAG.
Other names: short protein forms N57E.
Identifiers: ClinVar variation 4995187 (VCV004995187.1).
Genomic context (GRCh38, chr10:5,200,265, plus strand): 5'-GTCACCAAATTAGCAATAGAAGCTGGCTTCCGCCATATTGATTCTGCTTATTTATACAAT[AAT>GAG]GAGGAGCAGGTTGGACTGGCCATCCGAAGCAAGATTGCAGATGGCAGTGTGAAGAGAGAA-3'
Protein context (NP_001809.4, residues 47-67): RHIDSAYLYN[Asn57Glu]EEQVGLAIRS